The following is an entry in ClinVar:

NC_000004.11:g.(?_5617129)_(5617291_?)del

Gene: EVC2 (EvC ciliary complex subunit 2; minus strand). Cytogenetic location: 4p16.2.
Variant type: Deletion.
Identifiers: ClinVar variation 3246622 (VCV003246622.1).

ClinVar aggregate classification (germline): Uncertain significance (1 of 4 stars; one submission).

Conditions:
Ellis-van Creveld syndrome (EVC). Also called: MESOECTODERMAL DYSPLASIA; Chondroectodermal dysplasia; EVC-Related Ellis-van Creveld Syndrome; EVC2-Related Ellis-van Creveld Syndrome. Identifiers: Orphanet 289, MedGen C0013903, MONDO:0009162, OMIM 225500.
Curry-Hall syndrome (WAD). Also called: WEYERS ACRODENTAL DYSOSTOSIS. Identifiers: Orphanet 952, MedGen C0457013, MONDO:0008673, OMIM 193530.

Submission:

Labcorp Genetics (formerly Invitae), Labcorp
Classification: Uncertain significance for Curry-Hall syndrome; Ellis-van Creveld syndrome. Last evaluated: 2023-09-27. Review status: criteria provided, single submitter. Criteria: Invitae Variant Classification Sherloc (09022015). Collection method: clinical testing. Allele origin: unknown.
Comment: This variant is a gross deletion of the genomic region encompassing exon(s) 16 of the EVC2 gene. This variant would be expected to be in-frame, preserving the integrity of the reading frame. This variant has not been reported in the literature in individuals affected with EVC2-related conditions. In summary, the available evidence is currently insufficient to determine the role of this variant in disease. Therefore, it has been classified as a Variant of Uncertain Significance.